The following is an entry in ClinVar:

ClinVar aggregate classification (germline): Likely benign (1 of 4 stars; one submission).

Allele frequency attached by ClinVar (database versions not stated): ExAC 0.00108; ESP Exome Variant Server 0.00178; gnomAD 0.00250; TOPMed 0.00264; 1000 Genomes Project 0.00280; 1000 Genomes Project 30x 0.00281.
gnomAD v4.1: 1,293 of 1,613,034 alleles (0.08%); highest among the groups gnomAD compares: African/African-American, 0.82%; 8 homozygotes.

Submission:

CeGaT Center for Human Genetics Tuebingen
Classification: Likely benign. Last evaluated: 2023-02-01. Review status: criteria provided, single submitter. Criteria: CeGaT Center For Human Genetics Tuebingen Variant Classification Criteria Version 2. Collection method: clinical testing. Allele origin: germline. Affected: yes. Observed: 1 variant allele.
Comment: OR2H1: BP4, BS2

NM_030883.5(OR2H1):c.842C>G (p.Pro281Arg)

Gene: OR2H1 (olfactory receptor family 2 subfamily H member 1; plus strand). Cytogenetic location: 6p22.1.
Variant type: single nucleotide variant.
Coding change: c.842C>G on transcript NM_030883.5 (MANE Select); coding-DNA position 842, C replaced by G.
Protein change: p.Pro281Arg; replaces proline 281 with arginine.
Molecular consequence: missense variant.
Genome position (GRCh38, 1-based): chr6:29,462,611, C>G. VCF-style: chr6-29462611-C-G. GRCh37 (hg19) VCF-style: chr6-29430388-C-G.
Other names: c.842C>G, p.Pro281Arg (NM_001318014.2, NM_001318022.2); short protein forms P281R.
Identifiers: ClinVar variation 2656321 (VCV002656321.24), dbSNP rs142601796, ClinGen allele CA3689020.